The following is an entry in ClinVar:

NM_014822.4(SEC24D):c.904C>T (p.Gln302Ter)

Gene: SEC24D (SEC24 homolog D, COPII component; minus strand). Cytogenetic location: 4q26.
Variant type: single nucleotide variant.
Coding change: c.904C>T on transcript NM_014822.4 (MANE Select); coding-DNA position 904, C replaced by T.
Protein change: p.Gln302Ter; replaces glutamine 302 with a stop codon.
Molecular consequence: nonsense.
Genome position (GRCh38, 1-based): chr4:118,805,852, G>A on the plus strand (C>T on the coding strand, the complement: SEC24D is on the minus strand). VCF-style: chr4-118805852-G-A. GRCh37 (hg19) VCF-style: chr4-119727007-G-A.
Other names: c.907C>T, p.Gln303Ter (NM_001318066.2); short protein forms Q302*, Q303*.
Identifiers: ClinVar variation 5042064 (VCV005042064.1).
Genomic context (GRCh38, chr4:118,805,852, plus strand): 5'-ACGGTGAGAAATTTTAAAACCTTAATAAATGGCATAATTAAAAACAAATACCTTGGTCTT[G>A]TATCATGCAATCTGTAGTGACCAGGGGAGGGATCTGGCCTCTGGTGTTGGTGGCATAAAC-3'

ClinVar aggregate classification (germline): Pathogenic (1 of 4 stars; one submission).

Conditions:
Fetal anomalies with a likely genetic cause.

gnomAD v4.1: 7 of 1,550,238 alleles (0.00045%); highest among the groups gnomAD compares: East Asian, 0.0096%; no homozygotes.

Submission:

Genetics Laboratory, Great Ormond Street Hospital NHS Foundation Trust, North Thames Genomic Laboratory Hub
Classification: Pathogenic for Fetal anomalies with a likely genetic cause. Last evaluated: 2026-09-07. Review status: criteria provided, single submitter. Criteria: ACGS Best Practice Guidelines for Variant Classification in Rare Disease 2024 v1.2. Collection method: clinical testing. Allele origin: germline. Affected: yes.
Comment: PM2_moderate, PVS1_very-strong